The following is an entry in ClinVar:

ClinVar aggregate classification (germline): Uncertain significance (1 of 4 stars; one submission).

Conditions:
Neurofibromatosis, type 1 (NF1). Also called: Peripheral type neurofibromatosis; VON RECKLINGHAUSEN DISEASE; Neurofibromatosis, type I; NEUROFIBROMATOSIS, TYPE I, SOMATIC. Identifiers: Orphanet 636, MedGen C0027831, MONDO:0018975, OMIM 162200. Disease mechanism: loss of function.

Allele frequency attached by ClinVar (database versions not stated): gnomAD exomes below 0.00001.
gnomAD v4.1: 2 of 1,598,080 alleles (0.00013%); highest among the groups gnomAD compares: Non-Finnish European, 0.00017%; no homozygotes.

Submission:

Labcorp Genetics (formerly Invitae), Labcorp
Classification: Uncertain significance for Neurofibromatosis, type 1. Last evaluated: 2023-03-24. Review status: criteria provided, single submitter. Criteria: Invitae Variant Classification Sherloc (09022015). Collection method: clinical testing. Allele origin: germline.
Comment: In summary, the available evidence is currently insufficient to determine the role of this variant in disease. Therefore, it has been classified as a Variant of Uncertain Significance. Algorithms developed to predict the effect of sequence changes on RNA splicing suggest that this variant may create or strengthen a splice site. This variant has not been reported in the literature in individuals affected with NF1-related conditions. This variant is not present in population databases (gnomAD no frequency). This sequence change affects codon 804 of the NF1 mRNA. It is a 'silent' change, meaning that it does not change the encoded amino acid sequence of the NF1 protein.

NM_001042492.3(NF1):c.2412T>A (p.Ala804=)

Gene: NF1 (neurofibromin 1; plus strand). Cytogenetic location: 17q11.2.
Variant type: single nucleotide variant.
Coding change: c.2412T>A on transcript NM_001042492.3 (MANE Select); coding-DNA position 2412, T replaced by A.
Protein change: p.Ala804=; no amino-acid change (alanine 804 retained).
Molecular consequence: synonymous variant.
Genome position (GRCh38, 1-based): chr17:31,229,027, T>A. VCF-style: chr17-31229027-T-A. GRCh37 (hg19) VCF-style: chr17-29556045-T-A.
Other names: c.2412T>A, p.Ala804= (NM_000267.4).
Identifiers: ClinVar variation 3014057 (VCV003014057.3), dbSNP rs2151428788, ClinGen allele CA499444036.